The following is an entry in ClinVar:

ClinVar aggregate classification (germline): Likely benign. Review status: criteria provided, multiple submitters, no conflicts (2 of 4 stars). 2 submissions from 2 submitters: Likely benign (2). Last evaluated 2023-07-07.

Conditions:
Intellectual developmental disorder, autosomal dominant 6, with or without seizures. Also called: Intellectual disability, autosomal dominant 6; GRIN2B-related developmental delay, intellectual disability and autism spectrum disorder. Identifiers: Orphanet 589547, MedGen C3151411, MONDO:0013509, OMIM 613970.
Developmental and epileptic encephalopathy, 27 (DEE27). Also called: Epileptic encephalopathy, early infantile, 27; GRIN2B-Related Neurodevelopmental Disorder. Identifiers: Orphanet 3451, MedGen C4015316, MONDO:0014505, OMIM 616139.

Allele frequency attached by ClinVar (database versions not stated): TOPMed below 0.00001; gnomAD 0.00001; gnomAD exomes 0.00001.
gnomAD v4.1: 9 of 1,550,132 alleles (0.00058%); highest among the groups gnomAD compares: East Asian, 0.013%; no homozygotes.

Submissions (2):

Labcorp Genetics (formerly Invitae), Labcorp
Classification: Likely benign for Developmental and epileptic encephalopathy, 27; Intellectual developmental disorder, autosomal dominant 6, with or without seizures. Last evaluated: 2023-07-07. Review status: criteria provided, single submitter. Criteria: Invitae Variant Classification Sherloc (09022015). Collection method: clinical testing. Allele origin: germline.

GeneDx
Classification: Likely benign. Last evaluated: 2016-02-25. Review status: criteria provided, single submitter. Criteria: GeneDx Variant Classification (06012015). Collection method: clinical testing. Allele origin: germline. Affected: yes.
Comment: This variant is considered likely benign or benign based on one or more of the following criteria: it is a conservative change, it occurs at a poorly conserved position in the protein, it is predicted to be benign by multiple in silico algorithms, and/or has population frequency not consistent with disease.

NM_000834.5(GRIN2B):c.412-14T>C

Gene: GRIN2B (glutamate ionotropic receptor NMDA type subunit 2B; minus strand). Cytogenetic location: 12p13.1.
Variant type: single nucleotide variant.
Coding change: c.412-14T>C on transcript NM_000834.5 (MANE Select); 14 bases into the intron before coding-DNA position 412, T replaced by C.
Molecular consequence: intron variant.
Genome position (GRCh38, 1-based): chr12:13,753,929, A>G on the plus strand (T>C on the coding strand, the complement: GRIN2B is on the minus strand). VCF-style: chr12-13753929-A-G. GRCh37 (hg19) VCF-style: chr12-13906863-A-G.
Identifiers: ClinVar variation 246418 (VCV000246418.9), dbSNP rs879254251, ClinGen allele CA10584428.